The following is an entry in ClinVar:

ClinVar aggregate classification (germline): Uncertain significance (1 of 4 stars; one submission).

Allele frequency attached by ClinVar (database versions not stated): gnomAD exomes below 0.00001 and 0.00001; ExAC 0.00001; TOPMed 0.00001.
gnomAD v4.1: 3 of 1,614,180 alleles (0.00019%); highest among the groups gnomAD compares: Admixed American, 0.0017%; no homozygotes.

Submission:

Labcorp Genetics (formerly Invitae), Labcorp
Classification: Uncertain significance. Last evaluated: 2024-11-11. Review status: criteria provided, single submitter. Criteria: Invitae Variant Classification Sherloc (09022015). Collection method: clinical testing. Allele origin: germline.
Comment: This sequence change replaces glycine, which is neutral and non-polar, with aspartic acid, which is acidic and polar, at codon 422 of the MTMR14 protein (p.Gly422Asp). This variant is present in population databases (rs754385036, gnomAD 0.003%). This variant has not been reported in the literature in individuals affected with MTMR14-related conditions. ClinVar contains an entry for this variant (Variation ID: 1409491). Invitae Evidence Modeling of protein sequence and biophysical properties (such as structural, functional, and spatial information, amino acid conservation, physicochemical variation, residue mobility, and thermodynamic stability) indicates that this missense variant is not expected to disrupt MTMR14 protein function with a negative predictive value of 80%. In summary, the available evidence is currently insufficient to determine the role of this variant in disease. Therefore, it has been classified as a Variant of Uncertain Significance.

NM_001077525.3(MTMR14):c.1265G>A (p.Gly422Asp)

Gene: MTMR14 (myotubularin related protein 14; plus strand). Cytogenetic location: 3p25.3.
Variant type: single nucleotide variant.
Coding change: c.1265G>A on transcript NM_001077525.3 (MANE Select); coding-DNA position 1265, G replaced by A.
Protein change: p.Gly422Asp; replaces glycine 422 with aspartic acid.
Molecular consequence: missense variant.
Genome position (GRCh38, 1-based): chr3:9,688,725, G>A. VCF-style: chr3-9688725-G-A. GRCh37 (hg19) VCF-style: chr3-9730409-G-A.
Other names: c.1265G>A, p.Gly422Asp (NM_001077526.3, NM_022485.5); short protein forms G422D.
Identifiers: ClinVar variation 1409491 (VCV001409491.8), dbSNP rs754385036, ClinGen allele CA2240700.